The following is an entry in ClinVar:

NM_002691.4(POLD1):c.2917A>G (p.Ile973Val)

Gene: POLD1 (DNA polymerase delta 1, catalytic subunit; plus strand). Cytogenetic location: 19q13.33.
Variant type: single nucleotide variant.
Coding change: c.2917A>G on transcript NM_002691.4 (MANE Select); coding-DNA position 2917, A replaced by G.
Protein change: p.Ile973Val; replaces isoleucine 973 with valine.
Molecular consequence: missense variant. On other transcripts: non-coding transcript variant (1).
Genome position (GRCh38, 1-based): chr19:50,416,492, A>G. VCF-style: chr19-50416492-A-G. GRCh37 (hg19) VCF-style: chr19-50919749-A-G.
Other names: c.2917A>G, p.Ile973Val (NM_001256849.1); c.2995A>G, p.Ile999Val (NM_001308632.1); short protein forms I973V, I999V.
Identifiers: ClinVar variation 2955057 (VCV002955057.3), dbSNP rs2122491972, ClinGen allele CA406986586.
Genomic context (GRCh38, chr19:50,416,492, plus strand): 5'-GACACGCAGTACTACCTGGAGCAGCAGCTGGCCAAGCCCCTCCTGCGCATCTTCGAGCCC[A>G]TCCTGGGCGAGGGCCGTGCCGAGGCTGTGCTACTGCGTACGGGGGCACCAGGGGACTGGG-3'
Protein context (NP_002682.2, residues 963-983): AKPLLRIFEP[Ile973Val]LGEGRAEAVL

ClinVar aggregate classification (germline): Uncertain significance (1 of 4 stars; one submission).

Conditions:
POLD1-related polyposis and colorectal cancer syndrome (CRCS10). Also called: Colorectal cancer 10; COLORECTAL CANCER, SUSCEPTIBILITY TO, ON CHROMOSOME 19q; Colorectal cancer, susceptibility to, 10. Identifiers: Orphanet 220460, MedGen C2675481, MONDO:0012953, OMIM 612591.

Submission:

Labcorp Genetics (formerly Invitae), Labcorp
Classification: Uncertain significance for POLD1-related polyposis and colorectal cancer syndrome. Last evaluated: 2022-12-15. Review status: criteria provided, single submitter. Criteria: Invitae Variant Classification Sherloc (09022015). Collection method: clinical testing. Allele origin: germline.
Comment: In summary, the available evidence is currently insufficient to determine the role of this variant in disease. Therefore, it has been classified as a Variant of Uncertain Significance. Advanced modeling of protein sequence and biophysical properties (such as structural, functional, and spatial information, amino acid conservation, physicochemical variation, residue mobility, and thermodynamic stability) performed at Invitae indicates that this missense variant is not expected to disrupt POLD1 protein function. This variant has not been reported in the literature in individuals affected with POLD1-related conditions. This variant is not present in population databases (gnomAD no frequency). This sequence change replaces isoleucine, which is neutral and non-polar, with valine, which is neutral and non-polar, at codon 973 of the POLD1 protein (p.Ile973Val).